The following is an entry in ClinVar:

ClinVar aggregate classification (germline): Uncertain significance (1 of 4 stars; one submission).

gnomAD v4.1: 42 of 1,613,392 alleles (0.0026%); highest among the groups gnomAD compares: African/African-American, 0.037%; no homozygotes.

Submission:

GeneDx
Classification: Uncertain significance. Last evaluated: 2024-04-15. Review status: criteria provided, single submitter. Criteria: GeneDx Variant Classification Process June 2021. Collection method: clinical testing. Allele origin: germline. Affected: yes.
Comment: In silico analysis indicates that this missense variant does not alter protein structure/function; Has not been previously published as pathogenic or benign to our knowledge

NM_001510.4(GRID2):c.1412C>G (p.Ser471Cys)

Gene: GRID2 (glutamate ionotropic receptor delta type subunit 2; plus strand). Cytogenetic location: 4q22.2.
Variant type: single nucleotide variant.
Coding change: c.1412C>G on transcript NM_001510.4 (MANE Select); coding-DNA position 1412, C replaced by G.
Protein change: p.Ser471Cys; replaces serine 471 with cysteine.
Molecular consequence: missense variant.
Genome position (GRCh38, 1-based): chr4:93,422,835, C>G. VCF-style: chr4-93422835-C-G. GRCh37 (hg19) VCF-style: chr4-94343986-C-G.
Other names: c.1127C>G, p.Ser376Cys (NM_001286838.1); short protein forms S376C, S471C.
Identifiers: ClinVar variation 3372500 (VCV003372500.1).